The following is an entry in ClinVar:

ClinVar aggregate classification (germline): Benign/Likely benign. Review status: criteria provided, multiple submitters, no conflicts (2 of 4 stars). 5 submissions from 5 submitters: Benign (2); Likely benign (3). Last evaluated 2026-01-31.

Conditions:
Desmin-related myofibrillar myopathy (MFM1). Also called: Desminopathy; MYOFIBRILLAR MYOPATHY WITH ARRHYTHMOGENIC RIGHT VENTRICULAR CARDIOMYOPATHY; DESMIN-RELATED MYOPATHY WITH ARRHYTHMOGENIC RIGHT VENTRICULAR CARDIOMYOPATHY; Myofibrillar myopathy 1; Desmin related myopathy (former name); Desmin storage myopathy (former name). Identifiers: Orphanet 363543, Orphanet 98909, MedGen C1832370, MONDO:0011076, OMIM 601419.
Dilated cardiomyopathy 1I (CMD1I). Identifiers: Orphanet 154, MedGen C1858154, MONDO:0011482, OMIM 604765.
Neurogenic scapuloperoneal syndrome, Kaeser type (SCPNK). Also called: KAESER SYNDROME. Identifiers: Orphanet 85146, MedGen C1867005, MONDO:0008407, OMIM 181400.

Allele frequency attached by ClinVar (database versions not stated): gnomAD 0.00028 and 0.00034; TOPMed 0.00036; gnomAD exomes 0.00074; ExAC 0.00077; 1000 Genomes Project 0.00080; 1000 Genomes Project 30x 0.00094.

Submissions (5):

Labcorp Genetics (formerly Invitae), Labcorp
Classification: Benign for Desmin-related myofibrillar myopathy. Last evaluated: 2026-01-31. Review status: criteria provided, single submitter. Criteria: Invitae Variant Classification Sherloc (09022015). Collection method: clinical testing. Allele origin: germline.

Women's Health and Genetics/Laboratory Corporation of America, LabCorp
Classification: Likely benign. Last evaluated: 2025-12-15. Review status: criteria provided, single submitter. Criteria: LabCorp Variant Classification Summary - May 2015. Collection method: clinical testing. Allele origin: germline.

Blueprint Genetics
Classification: Likely benign. Last evaluated: 2024-02-13. Review status: criteria provided, single submitter. Criteria: ACMG Guidelines, 2015. Collection method: clinical testing. Allele origin: germline.

Fulgent Genetics
Classification: Likely benign for Neurogenic scapuloperoneal syndrome, Kaeser type; Desmin-related myofibrillar myopathy; Dilated cardiomyopathy 1I. Last evaluated: 2021-08-26. Review status: criteria provided, single submitter. Criteria: ACMG Guidelines, 2015. Collection method: clinical testing. Allele origin: unknown.

GeneDx
Classification: Benign. Last evaluated: 2014-09-09. Review status: criteria provided, single submitter. Criteria: GeneDx Variant Classification (06012015). Collection method: clinical testing. Allele origin: germline. Affected: yes.
Comment: This variant is considered likely benign or benign based on one or more of the following criteria: it is a conservative change, it occurs at a poorly conserved position in the protein, it is predicted to be benign by multiple in silico algorithms, and/or has population frequency not consistent with disease.

NM_001927.4(DES):c.640-16G>A

Gene: DES (desmin; plus strand). Cytogenetic location: 2q35.
Variant type: single nucleotide variant.
Coding change: c.640-16G>A on transcript NM_001927.4 (MANE Select); 16 bases into the intron before coding-DNA position 640, G replaced by A.
Molecular consequence: intron variant.
Genome position (GRCh38, 1-based): chr2:219,420,235, G>A. VCF-style: chr2-219420235-G-A. GRCh37 (hg19) VCF-style: chr2-220284957-G-A.
Other names: c.640-16G>A (LRG_380t1).
Identifiers: ClinVar variation 201697 (VCV000201697.12), dbSNP rs181712657, ClinGen allele CA308251.